The following is an entry in ClinVar:

ClinVar aggregate classification (germline): Uncertain significance (1 of 4 stars; one submission).

Conditions:
Familial thoracic aortic aneurysm and aortic dissection (TAAD). Also called: Thoracic aortic aneurysms and dissections. Identifiers: Orphanet 91387, MedGen C4707243, MONDO:0019625.

Submission:

Labcorp Genetics (formerly Invitae), Labcorp
Classification: Uncertain significance for Familial thoracic aortic aneurysm and aortic dissection. Last evaluated: 2025-06-17. Review status: criteria provided, single submitter. Criteria: Invitae Variant Classification Sherloc (09022015). Collection method: clinical testing. Allele origin: germline.
Comment: This sequence change replaces glycine, which is neutral and non-polar, with glutamic acid, which is acidic and polar, at codon 30 of the TGFBR1 protein (p.Gly30Glu). The frequency data for this variant in the population databases is considered unreliable, as metrics indicate insufficient coverage at this position in the gnomAD database. This variant has not been reported in the literature in individuals affected with TGFBR1-related conditions. Invitae Evidence Modeling of protein sequence and biophysical properties (such as structural, functional, and spatial information, amino acid conservation, physicochemical variation, residue mobility, and thermodynamic stability) indicates that this missense variant is not expected to disrupt TGFBR1 protein function with a negative predictive value of 95%. In summary, the available evidence is currently insufficient to determine the role of this variant in disease. Therefore, it has been classified as a Variant of Uncertain Significance.

NM_004612.4(TGFBR1):c.89G>A (p.Gly30Glu)

Gene: TGFBR1 (transforming growth factor beta receptor 1; plus strand). Cytogenetic location: 9q22.33.
Variant type: single nucleotide variant.
Coding change: c.89G>A on transcript NM_004612.4 (MANE Select); coding-DNA position 89, G replaced by A.
Protein change: p.Gly30Glu; replaces glycine 30 with glutamic acid.
Molecular consequence: missense variant. On other transcripts: 5 prime UTR variant (5), non-coding transcript variant (4), intron variant (8).
Genome position (GRCh38, 1-based): chr9:99,105,294, G>A. VCF-style: chr9-99105294-G-A. GRCh37 (hg19) VCF-style: chr9-101867576-G-A.
Other names: c.89G>A, p.Gly30Glu (NM_001130916.3, NM_001306210.2, NM_001407416.1 and 5 more transcripts); c.-255G>A (NM_001407420.1, NM_001407429.1); c.-224G>A (NM_001407422.1, NM_001407426.1); c.-179G>A (NM_001407428.1); c.-111+1553G>A (NM_001407418.1, NM_001407423.1); c.-111+1188G>A (NM_001407424.1); c.-111+775G>A (NM_001407425.1); c.-111+568G>A (NM_001407434.1); and 2 more; short protein forms G30E.
Identifiers: ClinVar variation 4805857 (VCV004805857.1).